The following is an entry in ClinVar:

NM_017838.4(NHP2):c.104C>T (p.Ala35Val)

Gene: NHP2 (NHP2 ribonucleoprotein; minus strand). Cytogenetic location: 5q35.3.
Variant type: single nucleotide variant.
Coding change: c.104C>T on transcript NM_017838.4 (MANE Select); coding-DNA position 104, C replaced by T.
Protein change: p.Ala35Val; replaces alanine 35 with valine.
Molecular consequence: missense variant.
Genome position (GRCh38, 1-based): chr5:178,153,714, G>A on the plus strand (C>T on the coding strand, the complement: NHP2 is on the minus strand). VCF-style: chr5-178153714-G-A. GRCh37 (hg19) VCF-style: chr5-177580715-G-A.
Other names: c.104C>T, p.Ala35Val (NM_001034833.2, NM_001396110.1); short protein forms A35V.
Identifiers: ClinVar variation 2043828 (VCV002043828.4), dbSNP rs2480692143, ClinGen allele CA362392899.

ClinVar aggregate classification (germline): Uncertain significance (1 of 4 stars; one submission).

Conditions:
Dyskeratosis congenita. Identifiers: Orphanet 1775, MedGen C0265965, MONDO:0015780.

Submission:

Labcorp Genetics (formerly Invitae), Labcorp
Classification: Uncertain significance for Dyskeratosis congenita. Last evaluated: 2024-06-05. Review status: criteria provided, single submitter. Criteria: Invitae Variant Classification Sherloc (09022015). Collection method: clinical testing. Allele origin: germline.
Comment: This sequence change replaces alanine, which is neutral and non-polar, with valine, which is neutral and non-polar, at codon 35 of the NHP2 protein (p.Ala35Val). This variant is not present in population databases (gnomAD no frequency). This variant has not been reported in the literature in individuals affected with NHP2-related conditions. ClinVar contains an entry for this variant (Variation ID: 2043828). An algorithm developed to predict the effect of missense changes on protein structure and function (PolyPhen-2) suggests that this variant is likely to be tolerated. In summary, the available evidence is currently insufficient to determine the role of this variant in disease. Therefore, it has been classified as a Variant of Uncertain Significance.